The following is an entry in ClinVar:

NM_000478.6(ALPL):c.173T>C (p.Leu58Pro)

Gene: ALPL (alkaline phosphatase, biomineralization associated; plus strand). Cytogenetic location: 1p36.12.
Variant type: single nucleotide variant.
Coding change: c.173T>C on transcript NM_000478.6 (MANE Select); coding-DNA position 173, T replaced by C.
Protein change: p.Leu58Pro; replaces leucine 58 with proline.
Molecular consequence: missense variant.
Genome position (GRCh38, 1-based): chr1:21,560,737, T>C. VCF-style: chr1-21560737-T-C. GRCh37 (hg19) VCF-style: chr1-21887230-T-C.
Other names: c.8T>C, p.Leu3Pro (NM_001127501.4); c.58T>C, p.Trp20Arg (NM_001177520.3); c.173T>C, p.Leu58Pro (NM_001369803.2, NM_001369804.2, NM_001369805.2); short protein forms L3P, L58P, W20R.
Identifiers: ClinVar variation 3068278 (VCV003068278.2), dbSNP rs2545290283, ClinGen allele CA338877730.

ClinVar aggregate classification (germline): Conflicting classifications of pathogenicity. Review status: criteria provided, conflicting classifications (1 of 4 stars). 2 submissions from 2 submitters: Likely pathogenic (1); Uncertain significance (1). Last evaluated 2026-09-01.

Conditions:
Hypophosphatasia. Also called: Phosphoethanol-aminuria. Identifiers: Orphanet 436, MedGen C0020630, MeSH D007014, MONDO:0018570.
Adult hypophosphatasia. Identifiers: Orphanet 247676, Orphanet 436, MedGen C0268413, MONDO:1010154, OMIM 146300, MONDO:0007798.

Submissions (2):

Genomenon, Inc
Classification: Uncertain significance for Hypophosphatasia. Last evaluated: 2026-09-01. Review status: criteria provided, single submitter. Criteria: Genomenon Sequence Variant Interpretation Standards - Updated. Collection method: curation. Allele origin: germline. Affected: yes.
Comment: ALPL p.Leu58Pro (c.173T>C) is a missense variant that changes the amino acid at codon 58 from Leucine to Proline. This variant has been observed in at least one proband affected with an ALPL-related disorder (PMID:41608645). It is absent or not present at a significant frequency in gnomAD. In conclusion, we classify ALPL p.Leu58Pro (c.173T>C) as a variant of uncertain significance.

Genomic Medicine Center of Excellence, King Faisal Specialist Hospital and Research Centre
Classification: Likely pathogenic for Adult hypophosphatasia. Last evaluated: 2024-04-04. Review status: criteria provided, single submitter. Criteria: ACMG Guidelines, 2015. Collection method: clinical testing. Allele origin: germline.

Literature cited by the submitters: PubMed 41608645 (cited by Genomenon, Inc).